The following is an entry in ClinVar:

NM_001200.4(BMP2):c.208A>C (p.Ser70Arg)

Gene: BMP2 (bone morphogenetic protein 2; plus strand). Cytogenetic location: 20p12.3.
Variant type: single nucleotide variant.
Coding change: c.208A>C on transcript NM_001200.4 (MANE Select); coding-DNA position 208, A replaced by C.
Protein change: p.Ser70Arg; replaces serine 70 with arginine.
Molecular consequence: missense variant.
Genome position (GRCh38, 1-based): chr20:6,770,334, A>C. VCF-style: chr20-6770334-A-C. GRCh37 (hg19) VCF-style: chr20-6750981-A-C.
Other names: short protein forms S70R.
Identifiers: ClinVar variation 4534886 (VCV004534886.6).
Genomic context (GRCh38, chr20:6,770,334, plus strand): 5'-CTGAGCGAGTTCGAGTTGCGGCTGCTCAGCATGTTCGGCCTGAAACAGAGACCCACCCCC[A>C]GCAGGGACGCCGTGGTGCCCCCCTACATGCTAGACCTGTATCGCAGGCACTCAGGTCAGC-3'
Protein context (NP_001191.1, residues 60-80): MFGLKQRPTP[Ser70Arg]RDAVVPPYML

ClinVar aggregate classification (germline): Uncertain significance (1 of 4 stars; one submission).

gnomAD v4.1: 1 of 1,613,478 alleles (0.000062%); highest among the groups gnomAD compares: Non-Finnish European, 0.000085%; no homozygotes.

Submission:

CeGaT Center for Human Genetics Tuebingen
Classification: Uncertain significance. Last evaluated: 2025-09-01. Review status: criteria provided, single submitter. Criteria: CeGaT Center For Human Genetics Tuebingen Variant Classification Criteria Version 2. Collection method: clinical testing. Allele origin: germline. Affected: yes. Observed: 1 variant allele.
Comment: BMP2: PM2